The following is an entry in ClinVar:

ClinVar aggregate classification (germline): Uncertain significance (1 of 4 stars; one submission).

Allele frequency attached by ClinVar (database versions not stated): TOPMed below 0.00001; ExAC 0.00001.

Submission:

GeneDx
Classification: Uncertain significance. Last evaluated: 2022-10-12. Review status: criteria provided, single submitter. Criteria: GeneDx Variant Classification Process June 2021. Collection method: clinical testing. Allele origin: germline. Affected: yes.
Comment: In silico analysis supports that this missense variant does not alter protein structure/function; Has not been previously published as pathogenic or benign to our knowledge

NM_001038603.3(MARVELD2):c.541C>G (p.Leu181Val)

Gene: MARVELD2 (MARVEL domain containing 2; plus strand). Cytogenetic location: 5q13.2.
Variant type: single nucleotide variant.
Coding change: c.541C>G on transcript NM_001038603.3 (MANE Select); coding-DNA position 541, C replaced by G.
Protein change: p.Leu181Val; replaces leucine 181 with valine.
Molecular consequence: missense variant.
Genome position (GRCh38, 1-based): chr5:69,419,926, C>G. VCF-style: chr5-69419926-C-G. GRCh37 (hg19) VCF-style: chr5-68715753-C-G.
Other names: c.541C>G, p.Leu181Val (NM_001244734.2); short protein forms L181V.
Identifiers: ClinVar variation 2499344 (VCV002499344.1), dbSNP rs755585944, ClinGen allele CA3294073.
Genomic context (GRCh38, chr5:69,419,926, plus strand): 5'-TCTCTAGACCGACACACACAAACAGTTCGAACATACAGTGAGAAGGTGGAGGAGTATAAC[C>G]TGAGATACTCCTACATGAAGTCGTGGGCAGGCCTGCTGAGAATACTGGGTGTGGTGGAGC-3'
Protein context (NP_001033692.2, residues 171-191): TYSEKVEEYN[Leu181Val]RYSYMKSWAG